The following is an entry in ClinVar:

NM_173798.4(ZCCHC12):c.1179C>A (p.Gly393=)

Gene: ZCCHC12 (zinc finger CCHC-type containing 12; plus strand). Cytogenetic location: Xq24.
Variant type: single nucleotide variant.
Coding change: c.1179C>A on transcript NM_173798.4 (MANE Select); coding-DNA position 1179, C replaced by A.
Protein change: p.Gly393=; no amino-acid change (glycine 393 retained).
Molecular consequence: synonymous variant.
Genome position (GRCh38, 1-based): chrX:118,826,423, C>A. VCF-style: chrX-118826423-C-A. GRCh37 (hg19) VCF-style: chrX-117960386-C-A.
Other names: c.1179C>A, p.Gly393= (NM_001312891.2).
Identifiers: ClinVar variation 783910 (VCV000783910.7), dbSNP rs34318459, ClinGen allele CA10500362.

ClinVar aggregate classification (germline): Benign. Review status: criteria provided, multiple submitters, no conflicts (2 of 4 stars). 3 submissions from 3 submitters: Benign (2). 1 of the submissions does not count toward it. Last evaluated 2019-12-31.

Conditions:
ZCCHC12-related disorder. Also called: ZCCHC12-related condition.

Allele frequency attached by ClinVar (database versions not stated): TOPMed 0.01071; ESP Exome Variant Server 0.01335; 1000 Genomes Project 0.01351; 1000 Genomes Project 30x 0.01519.

Submissions (3):

Labcorp Genetics (formerly Invitae), Labcorp
Classification: Benign. Last evaluated: 2019-12-31. Review status: criteria provided, single submitter. Criteria: Invitae Variant Classification Sherloc (09022015). Collection method: clinical testing. Allele origin: germline.

Breakthrough Genomics
Classification: Benign. Review status: criteria provided, single submitter. Criteria: ACMG Guidelines, 2015. Collection method: not provided. Allele origin: germline. Inheritance: Unknown mechanism. Affected: yes.

PreventionGenetics, part of Exact Sciences
Classification: Benign for ZCCHC12-related condition. Last evaluated: 2019-08-28. Review status: no assertion criteria provided. Collection method: clinical testing. Allele origin: germline. Not counted in ClinVar's aggregate classification.
Comment: This variant is classified as benign based on ACMG/AMP sequence variant interpretation guidelines (Richards et al. 2015 PMID: 25741868, with internal and published modifications).